The following is an entry in ClinVar:

NM_000059.4(BRCA2):c.2480A>G (p.Asn827Ser)

Gene: BRCA2 (BRCA2 DNA repair associated; plus strand). Cytogenetic location: 13q13.1.
Variant type: single nucleotide variant.
Coding change: c.2480A>G on transcript NM_000059.4 (MANE Select); coding-DNA position 2480, A replaced by G.
Protein change: p.Asn827Ser; replaces asparagine 827 with serine.
Molecular consequence: missense variant.
Genome position (GRCh38, 1-based): chr13:32,336,835, A>G. VCF-style: chr13-32336835-A-G. GRCh37 (hg19) VCF-style: chr13-32910972-A-G.
Other names: short protein forms N827S.
Identifiers: ClinVar variation 632718 (VCV000632718.13), dbSNP rs1566226814, ClinGen allele CA387772384.

ClinVar aggregate classification (germline): Conflicting classifications of pathogenicity. Review status: criteria provided, conflicting classifications (1 of 4 stars). 4 submissions from 4 submitters: Uncertain significance (3); Likely benign (1). Last evaluated 2026-07-02.

Conditions:
Hereditary breast ovarian cancer syndrome. Also called: Breast and ovarian cancer; Hereditary breast and ovarian cancer syndrome (HBOC); BRCA1- and BRCA2-Associated Hereditary Breast and Ovarian Cancer; Hereditary breast and ovarian cancer syndrome; Hereditary breast and ovarian cancer; Hereditary breast and/or ovarian cancer syndrome. Identifiers: Orphanet 145, MedGen C0677776, MeSH D061325, MONDO:0003582. Disease mechanism: loss of function.
Hereditary cancer-predisposing syndrome. Also called: Neoplastic Syndromes, Hereditary; Hereditary Cancer Syndrome; Hereditary neoplastic syndrome; Tumor predisposition. Identifiers: Orphanet 140162, MedGen C0027672, MeSH D009386, MONDO:0015356.

Submissions (4):

Ambry Genetics
Classification: Uncertain significance for Hereditary cancer-predisposing syndrome. Last evaluated: 2026-07-02. Review status: criteria provided, single submitter. Criteria: Ambry Variant Classification Scheme 2023. Collection method: clinical testing. Allele origin: germline.
Comment: The p.N827S variant (also known as c.2480A>G), located in coding exon 10 of the BRCA2 gene, results from an A to G substitution at nucleotide position 2480. The asparagine at codon 827 is replaced by serine, an amino acid with highly similar properties. This amino acid position is conserved. In addition, this alteration is predicted to be tolerated by in silico analysis. Based on the available evidence, the clinical significance of this variant remains unclear.

Labcorp Genetics (formerly Invitae), Labcorp
Classification: Uncertain significance for Hereditary breast ovarian cancer syndrome. Last evaluated: 2024-02-14. Review status: criteria provided, single submitter. Criteria: Invitae Variant Classification Sherloc (09022015). Collection method: clinical testing. Allele origin: germline.
Comment: This sequence change replaces asparagine, which is neutral and polar, with serine, which is neutral and polar, at codon 827 of the BRCA2 protein (p.Asn827Ser). This variant is not present in population databases (gnomAD no frequency). This variant has not been reported in the literature in individuals affected with BRCA2-related conditions. ClinVar contains an entry for this variant (Variation ID: 632718). Advanced modeling of protein sequence and biophysical properties (such as structural, functional, and spatial information, amino acid conservation, physicochemical variation, residue mobility, and thermodynamic stability) performed at Invitae indicates that this missense variant is not expected to disrupt BRCA2 protein function with a negative predictive value of 95%. In summary, the available evidence is currently insufficient to determine the role of this variant in disease. Therefore, it has been classified as a Variant of Uncertain Significance.

University of Washington Department of Laboratory Medicine, University of Washington
Classification: Likely benign for Hereditary cancer-predisposing syndrome. Last evaluated: 2023-03-23. Review status: criteria provided, single submitter. Criteria: Dines et al. (Genet Med. 2020). Collection method: curation. Allele origin: germline.
Comment: Missense variant in a coldspot region where missense variants are very unlikely to be pathogenic (PMID:31911673).

BRCA2 exon 11 coldspot. Reclassification based on statistical prior probability.

Women's Health and Genetics/Laboratory Corporation of America, LabCorp
Classification: Uncertain significance. Last evaluated: 2018-10-22. Review status: criteria provided, single submitter. Criteria: LabCorp Variant Classification Summary - May 2015. Collection method: clinical testing. Allele origin: germline.
Comment: Variant summary: BRCA2 c.2480A>G (p.Asn827Ser) results in a conservative amino acid change in the encoded protein sequence. Five of five in-silico tools predict a benign effect of the variant on protein function. The variant was absent in 120450 control chromosomes. The available data on variant occurrences in the general population are insufficient to allow any conclusion about variant significance. To our knowledge, no occurrence of c.2480A>G in individuals affected with Hereditary Breast and Ovarian Cancer and no experimental evidence demonstrating its impact on protein function have been reported. No clinical diagnostic laboratories have submitted clinical-significance assessments for this variant to ClinVar after 2014. Based on the evidence outlined above, the variant was classified as uncertain significance.